The following is an entry in ClinVar:

NM_001079802.2(FKTN):c.911-8C>A

Gene: FKTN (fukutin; plus strand). Cytogenetic location: 9q31.2.
Variant type: single nucleotide variant.
Coding change: c.911-8C>A on transcript NM_001079802.2 (MANE Select); 8 bases into the intron before coding-DNA position 911, C replaced by A.
Molecular consequence: intron variant.
Genome position (GRCh38, 1-based): chr9:105,617,951, C>A. VCF-style: chr9-105617951-C-A. GRCh37 (hg19) VCF-style: chr9-108380232-C-A.
Other names: c.911-8C>A (NM_006731.2, NM_001351496.2, NM_001198963.2 and 1 more transcripts); c.515-8C>A (NM_001351502.2, NM_001351499.2, NM_001351500.2 and 1 more transcripts); c.842-8C>A (NM_001351497.2).
Identifiers: ClinVar variation 289241 (VCV000289241.21), dbSNP rs749557617, ClinGen allele CA5170532.

ClinVar aggregate classification (germline): Conflicting classifications of pathogenicity. Review status: criteria provided, conflicting classifications (1 of 4 stars). 4 submissions from 4 submitters: Uncertain significance (1); Likely benign (2). 1 of the submissions does not count toward it. Last evaluated 2025-11-02.

Conditions:
FKTN-related disorder. Also called: FKTN-related disorders; FKTN-related condition.
Walker-Warburg congenital muscular dystrophy. Also called: Muscular dystrophy-dystroglycanopathy, type A; Walker-Warburg syndrome. Identifiers: Orphanet 899, MedGen C0265221, MONDO:0000171.

Allele frequency attached by ClinVar (database versions not stated): TOPMed 0.00002; gnomAD 0.00003.
gnomAD v4.1: 130 of 1,552,386 alleles (0.0084%); highest among the groups gnomAD compares: Non-Finnish European, 0.011%; 1 homozygote.

Submissions (4):

Labcorp Genetics (formerly Invitae), Labcorp
Classification: Likely benign for Walker-Warburg congenital muscular dystrophy. Last evaluated: 2025-11-02. Review status: criteria provided, single submitter. Criteria: Invitae Variant Classification Sherloc (09022015). Collection method: clinical testing. Allele origin: germline.

GeneDx
Classification: Likely benign. Last evaluated: 2020-12-03. Review status: criteria provided, single submitter. Criteria: GeneDx Variant Classification Process June 2021. Collection method: clinical testing. Allele origin: germline. Affected: yes.

Eurofins Ntd Llc (ga)
Classification: Uncertain significance. Last evaluated: 2016-07-11. Review status: criteria provided, single submitter. Criteria: EGL Classification Definitions 2015. Collection method: clinical testing. Allele origin: germline. Observed: 1 variant allele, 1 heterozygote.

PreventionGenetics, part of Exact Sciences
Classification: Likely benign for FKTN-related condition. Last evaluated: 2019-08-29. Review status: no assertion criteria provided. Collection method: clinical testing. Allele origin: germline. Not counted in ClinVar's aggregate classification.
Comment: This variant is classified as likely benign based on ACMG/AMP sequence variant interpretation guidelines (Richards et al. 2015 PMID: 25741868, with internal and published modifications).